The following is an entry in ClinVar:

ClinVar aggregate classification (germline): Uncertain significance. Review status: criteria provided, multiple submitters, no conflicts (2 of 4 stars). 2 submissions from 2 submitters: Uncertain significance (2). Last evaluated 2025-02-10.

Conditions:
Melanoma, cutaneous malignant, susceptibility to, 5. Also called: Cutaneous malignant melanoma 5. Identifiers: Orphanet 618, MedGen C2751295, MONDO:0013133, OMIM 613099.

Allele frequency attached by ClinVar (database versions not stated): gnomAD exomes below 0.00001; ExAC 0.00001.

Submissions (2):

Ambry Genetics
Classification: Uncertain significance. Last evaluated: 2025-02-10. Review status: criteria provided, single submitter. Criteria: Ambry Variant Classification Scheme 2023. Collection method: clinical testing. Allele origin: germline.
Comment: The p.M203T variant (also known as c.608T>C), located in coding exon 1 of the MC1R gene, results from a T to C substitution at nucleotide position 608. The methionine at codon 203 is replaced by threonine, an amino acid with similar properties. This amino acid position is conserved. In addition, this alteration is predicted to be tolerated by in silico analysis. Based on the available evidence, the clinical significance of this variant remains unclear.

Labcorp Genetics (formerly Invitae), Labcorp
Classification: Uncertain significance for Melanoma, cutaneous malignant, susceptibility to, 5. Last evaluated: 2022-04-24. Review status: criteria provided, single submitter. Criteria: Invitae Variant Classification Sherloc (09022015). Collection method: clinical testing. Allele origin: germline.
Comment: In summary, the available evidence is currently insufficient to determine the role of this variant in disease. Therefore, it has been classified as a Variant of Uncertain Significance. Algorithms developed to predict the effect of missense changes on protein structure and function are either unavailable or do not agree on the potential impact of this missense change (SIFT: "Tolerated"; PolyPhen-2: "Probably Damaging"; Align-GVGD: "Class C0"). This variant has not been reported in the literature in individuals affected with MC1R-related conditions. This variant is present in population databases (rs769723368, gnomAD 0.0009%). This sequence change replaces methionine, which is neutral and non-polar, with threonine, which is neutral and polar, at codon 203 of the MC1R protein (p.Met203Thr).

NM_002386.4(MC1R):c.608T>C (p.Met203Thr)

Gene: MC1R (melanocortin 1 receptor; plus strand). Cytogenetic location: 16q24.3.
Variant type: single nucleotide variant.
Coding change: c.608T>C on transcript NM_002386.4 (MANE Select); coding-DNA position 608, T replaced by C.
Protein change: p.Met203Thr; replaces methionine 203 with threonine.
Molecular consequence: missense variant.
Genome position (GRCh38, 1-based): chr16:89,919,866, T>C. VCF-style: chr16-89919866-T-C. GRCh37 (hg19) VCF-style: chr16-89986274-T-C.
Other names: c.608T>C (NM_002386.3); short protein forms M203T.
Identifiers: ClinVar variation 1512298 (VCV001512298.9), dbSNP rs769723368, ClinGen allele CA8255678.
Genomic context (GRCh38, chr16:89,919,866, plus strand): 5'-ACGACCACGTGGCCGTCCTGCTGTGCCTCGTGGTCTTCTTCCTGGCTATGCTGGTGCTCA[T>C]GGCCGTGCTGTACGTCCACATGCTGGCCCGGGCCTGCCAGCACGCCCAGGGCATCGCCCG-3'
Protein context (NP_002377.4, residues 193-213): VVFFLAMLVL[Met203Thr]AVLYVHMLAR